The following is an entry in ClinVar:

NM_006734.4(HIVEP2):c.4835C>A (p.Ala1612Asp)

Gene: HIVEP2 (HIVEP zinc finger 2; minus strand). Cytogenetic location: 6q24.2.
Variant type: single nucleotide variant.
Coding change: c.4835C>A on transcript NM_006734.4 (MANE Select); coding-DNA position 4835, C replaced by A.
Protein change: p.Ala1612Asp; replaces alanine 1612 with aspartic acid.
Molecular consequence: missense variant.
Genome position (GRCh38, 1-based): chr6:142,769,904, G>T on the plus strand (C>A on the coding strand, the complement: HIVEP2 is on the minus strand). VCF-style: chr6-142769904-G-T. GRCh37 (hg19) VCF-style: chr6-143091041-G-T.
Other names: short protein forms A1612D.
Identifiers: ClinVar variation 2007923 (VCV002007923.4), dbSNP rs2482819035, ClinGen allele CA365897939.

ClinVar aggregate classification (germline): Uncertain significance (1 of 4 stars; one submission).

Submission:

Labcorp Genetics (formerly Invitae), Labcorp
Classification: Uncertain significance. Last evaluated: 2022-06-18. Review status: criteria provided, single submitter. Criteria: Invitae Variant Classification Sherloc (09022015). Collection method: clinical testing. Allele origin: germline.
Comment: This sequence change replaces alanine, which is neutral and non-polar, with aspartic acid, which is acidic and polar, at codon 1612 of the HIVEP2 protein (p.Ala1612Asp). This variant is not present in population databases (gnomAD no frequency). This variant has not been reported in the literature in individuals affected with HIVEP2-related conditions. Algorithms developed to predict the effect of missense changes on protein structure and function are either unavailable or do not agree on the potential impact of this missense change (SIFT: "Deleterious"; PolyPhen-2: "Benign"; Align-GVGD: "Class C0"). In summary, the available evidence is currently insufficient to determine the role of this variant in disease. Therefore, it has been classified as a Variant of Uncertain Significance.